The following is an entry in ClinVar:

NM_002480.3(PPP1R12A):c.1811G>C (p.Gly604Ala)

Gene: PPP1R12A (protein phosphatase 1 regulatory subunit 12A; minus strand). Cytogenetic location: 12q21.2.
Variant type: single nucleotide variant.
Coding change: c.1811G>C on transcript NM_002480.3 (MANE Select); coding-DNA position 1811, G replaced by C.
Protein change: p.Gly604Ala; replaces glycine 604 with alanine.
Molecular consequence: missense variant. On other transcripts: intron variant (1).
Genome position (GRCh38, 1-based): chr12:79,806,178, C>G on the plus strand (G>C on the coding strand, the complement: PPP1R12A is on the minus strand). VCF-style: chr12-79806178-C-G. GRCh37 (hg19) VCF-style: chr12-80199958-C-G.
Other names: c.1811G>C, p.Gly604Ala (NM_001143885.2, NM_001244990.2); c.1550G>C, p.Gly517Ala (NM_001143886.2); c.1656-410G>C (NM_001244992.1); short protein forms G517A, G604A.
Identifiers: ClinVar variation 1543406 (VCV001543406.27), dbSNP rs61756418, ClinGen allele CA6699603.

ClinVar aggregate classification (germline): Benign. Review status: criteria provided, multiple submitters, no conflicts (2 of 4 stars). 2 submissions from 2 submitters: Benign (2). Last evaluated 2026-09-01.

Allele frequency attached by ClinVar (database versions not stated): ESP Exome Variant Server 0.00523; gnomAD exomes 0.00766 and 0.00485; 1000 Genomes Project 30x 0.00203; 1000 Genomes Project 0.00240; TOPMed 0.00439; ExAC 0.00483; gnomAD 0.00501 and 0.00517.
gnomAD v4.1: 11,897 of 1,613,782 alleles (0.74%); highest among the groups gnomAD compares: Non-Finnish European, 0.9%; 44 homozygotes.

Submissions (2):

CeGaT Center for Human Genetics Tuebingen
Classification: Benign. Last evaluated: 2026-09-01. Review status: criteria provided, single submitter. Criteria: CeGaT Center For Human Genetics Tuebingen Variant Classification Criteria Version 2. Collection method: clinical testing. Allele origin: germline. Affected: yes. Observed: 14 variant alleles.
Comment: PPP1R12A: BS1, BS2

Labcorp Genetics (formerly Invitae), Labcorp
Classification: Benign. Last evaluated: 2026-01-19. Review status: criteria provided, single submitter. Criteria: Invitae Variant Classification Sherloc (09022015). Collection method: clinical testing. Allele origin: germline.